The following is an entry in ClinVar:

NM_022455.5(NSD1):c.7403G>A (p.Arg2468Gln)

Gene: NSD1 (nuclear receptor binding SET domain protein 1; plus strand). Cytogenetic location: 5q35.3.
Variant type: single nucleotide variant.
Coding change: c.7403G>A on transcript NM_022455.5 (MANE Select); coding-DNA position 7403, G replaced by A.
Protein change: p.Arg2468Gln; replaces arginine 2468 with glutamine.
Molecular consequence: missense variant.
Genome position (GRCh38, 1-based): chr5:177,294,771, G>A. VCF-style: chr5-177294771-G-A. GRCh37 (hg19) VCF-style: chr5-176721772-G-A.
Other names: c.6530G>A, p.Arg2177Gln (NM_001365684.2, NM_172349.5, NM_001409308.1); c.7403G>A, p.Arg2468Gln (NM_001409301.1, NM_001409302.1, NM_001409303.1); c.6983G>A, p.Arg2328Gln (NM_001409304.1); c.6650G>A, p.Arg2217Gln (NM_001409305.1); c.6641G>A, p.Arg2214Gln (NM_001409306.1, NM_001409307.1); c.6281G>A, p.Arg2094Gln (NM_001409309.1); short protein forms R2468Q, R2199Q, R2328Q, R2217Q, R2177Q, R2214Q, R2094Q.
Identifiers: ClinVar variation 159439 (VCV000159439.14), dbSNP rs587784217, ClinGen allele CA172855.
Genomic context (GRCh38, chr5:177,294,771, plus strand): 5'-CAAAAAATAGAGCTGCTTTGGTGATGGATCTCATAGACCTAACTCCTCGCCAGAAGGAGC[G>A]GGCAGCTTCACCTCATCAGGTCACACCACAGGCTGATGAGAAGATGCCAGTGTTGGAGTC-3'
Protein context (NP_071900.2, residues 2458-2478): LIDLTPRQKE[Arg2468Gln]AASPHQVTPQ

ClinVar aggregate classification (germline): Conflicting classifications of pathogenicity. Review status: criteria provided, conflicting classifications (1 of 4 stars). 4 submissions from 4 submitters: Uncertain significance (1); Benign (2); Likely benign (1). Last evaluated 2026-03-24.

Conditions:
Sotos syndrome (SOTOS). Also called: Distinctive facial appearance, overgrowth in childhood, and learning disabilities or delayed development; CHROMOSOME 5q35 DELETION SYNDROME; CEREBRAL GIGANTISM; Sotos' syndrome; SOTOS SYNDROME 1. Identifiers: Orphanet 821, MedGen C0175695, MONDO:0019349, OMIM 117550.

Allele frequency attached by ClinVar (database versions not stated): TOPMed 0.00004; gnomAD exomes 0.00002 and 0.00005; ExAC 0.00004; gnomAD 0.00004 and 0.00005.
gnomAD v4.1: 34 of 1,613,694 alleles (0.0021%); highest among the groups gnomAD compares: South Asian, 0.0088%; no homozygotes.

Submissions (4):

Dasa
Classification: Uncertain significance. Last evaluated: 2026-03-24. Review status: criteria provided, single submitter. Criteria: DASA Assertion Criteria. Collection method: clinical testing. Allele origin: germline.
Comment: NM_022455.5(NSD1):c.7403G>A (p.Arg2468Gln) is a missense variant that results in the substitution of arginine with glutamine. This variant is rare in population databases. Computational prediction algorithms are consistent with a benign effect. The currently available literature and clinical evidence are not sufficient to establish a definitive association between this variant and the reported condition. Therefore, this variant is classified as a variant of uncertain significance.

Labcorp Genetics (formerly Invitae), Labcorp
Classification: Benign. Last evaluated: 2024-10-24. Review status: criteria provided, single submitter. Criteria: Invitae Variant Classification Sherloc (09022015). Collection method: clinical testing. Allele origin: germline.

Fulgent Genetics
Classification: Likely benign for Sotos syndrome. Last evaluated: 2024-04-20. Review status: criteria provided, single submitter. Criteria: ACMG Guidelines, 2015. Collection method: clinical testing. Allele origin: germline.

Genetic Services Laboratory, University of Chicago
Classification: Benign. Last evaluated: 2013-02-08. Review status: criteria provided, single submitter. Criteria: ACMG Guidelines, 2007. Collection method: clinical testing. Allele origin: germline. Inheritance: Autosomal dominant inheritance.